The following is an entry in ClinVar:

NM_001127208.3(TET2):c.1268A>G (p.Lys423Arg)

Genes: TET2-AS1 (TET2 antisense RNA 1; minus strand), TET2 (tet methylcytosine dioxygenase 2; plus strand). Cytogenetic location: 4q24.
Variant type: single nucleotide variant.
Coding change: c.1268A>G on transcript NM_001127208.3 (MANE Select); coding-DNA position 1268, A replaced by G.
Protein change: p.Lys423Arg; replaces lysine 423 with arginine.
Molecular consequence: missense variant.
Genome position (GRCh38, 1-based): chr4:105,235,210, A>G. VCF-style: chr4-105235210-A-G. GRCh37 (hg19) VCF-style: chr4-106156367-A-G.
Other names: c.1268A>G, p.Lys423Arg (NM_017628.4); short protein forms K423R.
Identifiers: ClinVar variation 998245 (VCV000998245.2), dbSNP rs769081887, ClinGen allele CA3031648.
Genomic context (GRCh38, chr4:105,235,210, plus strand): 5'-AATTGCTTCTTTCTCCCCCTCCTCCTCTTCCACAGGTTCCTCAGCTTCCTTCAGAAGGAA[A>G]AAGCACTCTGAATGGTGGAGTTTTAGAAGAACACCACCACTACCCCAACCAAAGTAACAC-3'
Protein context (NP_001120680.1, residues 413-433): PQVPQLPSEG[Lys423Arg]STLNGGVLEE

ClinVar aggregate classification (germline): Uncertain significance. Review status: criteria provided, multiple submitters, no conflicts (2 of 4 stars). 2 submissions from 2 submitters: Uncertain significance (2). Last evaluated 2025-02-05.

Conditions:
Myelodysplastic syndrome (MDS). Also called: Myelodysplastic syndrome, somatic; Myelodysplastic syndromes; MYELODYSPLASTIC SYNDROME, SUSCEPTIBILITY TO. Identifiers: Orphanet 52688, MedGen C3463824, MeSH D009190, MONDO:0018881, OMIM 614286.

Allele frequency attached by ClinVar (database versions not stated): TOPMed below 0.00001; ExAC 0.00001; gnomAD 0.00001; gnomAD exomes 0.00001.

Submissions (2):

Ambry Genetics
Classification: Uncertain significance. Last evaluated: 2025-02-05. Review status: criteria provided, single submitter. Criteria: Ambry Variant Classification Scheme 2023. Collection method: clinical testing. Allele origin: germline.
Comment: The p.K423R variant (also known as c.1268A>G), located in coding exon 1 of the TET2 gene, results from an A to G substitution at nucleotide position 1268. The lysine at codon 423 is replaced by arginine, an amino acid with highly similar properties. This amino acid position is conserved. In addition, this alteration is predicted to be tolerated by in silico analysis. Based on the available evidence, the clinical significance of this variant remains unclear.

Baylor Genetics
Classification: Uncertain significance for Myelodysplastic syndrome. Last evaluated: 2019-07-31. Review status: criteria provided, single submitter. Criteria: ACMG Guidelines, 2015. Collection method: clinical testing. Allele origin: unknown. Affected: yes. Study: CSER-TexasKidsCanSeq.
Comment: This variant was determined to be of uncertain significance according to ACMG Guidelines, 2015 [PMID:25741868].